The following is an entry in ClinVar:

ClinVar aggregate classification (germline): Uncertain significance (1 of 4 stars; one submission).

Submission:

GeneDx
Classification: Uncertain significance. Last evaluated: 2026-02-24. Review status: criteria provided, single submitter. Criteria: GeneDx Variant Classification Process June 2021. Collection method: clinical testing. Allele origin: germline.
Comment: In-frame deletion of 1 amino acid in a non-repeat region; In silico analysis supports a deleterious effect on protein structure/function; Has not been previously published as pathogenic or benign to our knowledge; In silico analysis is inconclusive as to whether the variant alters gene splicing. In the absence of RNA/functional studies, the actual effect of this sequence change is unknown.

NM_004667.6(HERC2):c.4739AAG[1] (p.Glu1581del)

Gene: HERC2 (HECT and RLD domain containing E3 ubiquitin protein ligase 2; minus strand). Cytogenetic location: 15q13.1.
Variant type: Microsatellite.
Coding change: c.4739AAG[1] on transcript NM_004667.6 (MANE Select); one copy of the 3-base unit AAG starting at c.4739; the reference has two copies in a row; one copy, 3 bases deleted.
Protein change: p.Glu1581del; deletes glutamic acid 1581.
Molecular consequence: inframe deletion.
Genome position (GRCh38, 1-based): chr15:28,230,432-28,230,434, CTT deleted on the plus strand (AAG on the coding strand, the reverse complement: HERC2 is on the minus strand); deleting any 3 consecutive bases within chr15:28,230,432-28,230,439 gives the same sequence; the position shown is the placement nearest the transcript's 3' end. VCF-style (leftmost placement, unchanged base first): chr15-28230431-GCTT-G. GRCh37 (hg19) VCF-style: chr15-28475577-GCTT-G.
Other names: short protein forms E1581del.
Identifiers: ClinVar variation 5007979 (VCV005007979.1).
Genomic context (GRCh38, chr15:28,230,431, plus strand): 5'-GGTGATTTAATTGCAATGGGTCTCTTGTCCACATTTATTGGACTATGAGGCAAAATGCAA[GCTT>G]CTTCTAAATCACTCTCTTCGTTTCCAATTTTTTCTTCATCATCCGTAGATTCTGGCTTCT-3'